The following is an entry in ClinVar:

ClinVar aggregate classification (germline): Uncertain significance (1 of 4 stars; one submission).

Allele frequency attached by ClinVar (database versions not stated): gnomAD exomes below 0.00001; ExAC 0.00001; TOPMed 0.00001.
gnomAD v4.1: 6 of 1,614,102 alleles (0.00037%); highest among the groups gnomAD compares: Middle Eastern, 0.016%; no homozygotes.

Submission:

Labcorp Genetics (formerly Invitae), Labcorp
Classification: Uncertain significance. Last evaluated: 2022-02-11. Review status: criteria provided, single submitter. Criteria: Invitae Variant Classification Sherloc (09022015). Collection method: clinical testing. Allele origin: germline.
Comment: This sequence change replaces glutamic acid, which is acidic and polar, with lysine, which is basic and polar, at codon 198 of the C1QBP protein (p.Glu198Lys). This variant is present in population databases (rs756081930, gnomAD 0.0009%). This variant has not been reported in the literature in individuals affected with C1QBP-related conditions. Algorithms developed to predict the effect of missense changes on protein structure and function (SIFT, PolyPhen-2, Align-GVGD) all suggest that this variant is likely to be tolerated. In summary, the available evidence is currently insufficient to determine the role of this variant in disease. Therefore, it has been classified as a Variant of Uncertain Significance.

NM_001212.4(C1QBP):c.592G>A (p.Glu198Lys)

Gene: C1QBP (complement C1q binding protein; minus strand). Cytogenetic location: 17p13.2.
Variant type: single nucleotide variant.
Coding change: c.592G>A on transcript NM_001212.4 (MANE Select); coding-DNA position 592, G replaced by A.
Protein change: p.Glu198Lys; replaces glutamic acid 198 with lysine.
Molecular consequence: missense variant.
Genome position (GRCh38, 1-based): chr17:5,433,400, C>T on the plus strand (G>A on the coding strand, the complement: C1QBP is on the minus strand). VCF-style: chr17-5433400-C-T. GRCh37 (hg19) VCF-style: chr17-5336720-C-T.
Other names: short protein forms E198K.
Identifiers: ClinVar variation 1943812 (VCV001943812.2), dbSNP rs756081930, ClinGen allele CA8325222.
Genomic context (GRCh38, chr17:5,433,400, plus strand): 5'-CAGACTCGCCAGTGGACTGAAAGCTAACTTCCCTGATAGAGAAGATGTCACTCTCAGCCT[C>T]GTCTTCTTGTCCAACCTGAGAAGAAACAATATTGGGAAACTGAAGGGTTCTCCAGGACAA-3'
Protein context (NP_001203.1, residues 188-208): YPEDEVGQED[Glu198Lys]AESDIFSIRE